The following is an entry in ClinVar:

NM_006379.5(SEMA3C):c.916+8_916+9insCT

Gene: SEMA3C (semaphorin 3C; minus strand). Cytogenetic location: 7q21.11.
Variant type: Insertion.
Coding change: c.916+8_916+9insCT on transcript NM_006379.5 (MANE Select); bases 8 to 9 of the intron after coding-DNA position 916, CT inserted.
Molecular consequence: intron variant.
Genome position: GRCh38 VCF-style: chr7-80802656-T-TGA. GRCh37 (hg19) VCF-style: chr7-80431972-T-TGA.
Other names: c.970+8_970+9insCT (NM_001350120.2); c.742+8_742+9insCT (NM_001350121.2).
Identifiers: ClinVar variation 3033139 (VCV003033139.2), dbSNP rs745991074, ClinGen allele CA4316292.

ClinVar aggregate classification (germline): Likely benign (0 of 4 stars; one submission).

Conditions:
SEMA3C-related disorder. Also called: SEMA3C-related condition.

Submission:

PreventionGenetics, part of Exact Sciences
Classification: Likely benign for SEMA3C-related condition. Last evaluated: 2021-10-05. Review status: no assertion criteria provided. Collection method: clinical testing. Allele origin: germline.
Comment: This variant is classified as likely benign based on ACMG/AMP sequence variant interpretation guidelines (Richards et al. 2015 PMID: 25741868, with internal and published modifications).